The following is an entry in ClinVar:

ClinVar aggregate classification (germline): Uncertain significance (1 of 4 stars; one submission).

Conditions:
Luscan-Lumish syndrome. Identifiers: Orphanet 597738, MedGen C4085873, MONDO:0014791, OMIM 616831.

Allele frequency attached by ClinVar (database versions not stated): gnomAD exomes below 0.00001.
gnomAD v4.1: 1 of 1,551,882 alleles (0.000064%); highest among the groups gnomAD compares: South Asian, 0.0012%; no homozygotes.

Submission:

Labcorp Genetics (formerly Invitae), Labcorp
Classification: Uncertain significance for Luscan-Lumish syndrome. Last evaluated: 2023-11-10. Review status: criteria provided, single submitter. Criteria: Invitae Variant Classification Sherloc (09022015). Collection method: clinical testing. Allele origin: germline.
Comment: This sequence change replaces histidine, which is basic and polar, with arginine, which is basic and polar, at codon 150 of the SETD2 protein (p.His150Arg). This variant is present in population databases (no rsID available, gnomAD 0.004%). This variant has not been reported in the literature in individuals affected with SETD2-related conditions. Advanced modeling of protein sequence and biophysical properties (such as structural, functional, and spatial information, amino acid conservation, physicochemical variation, residue mobility, and thermodynamic stability) performed at Invitae indicates that this missense variant is not expected to disrupt SETD2 protein function with a negative predictive value of 80%. In summary, the available evidence is currently insufficient to determine the role of this variant in disease. Therefore, it has been classified as a Variant of Uncertain Significance.

NM_014159.7(SETD2):c.449A>G (p.His150Arg)

Gene: SETD2 (SET domain containing 2, histone lysine methyltransferase; minus strand). Cytogenetic location: 3p21.31.
Variant type: single nucleotide variant.
Coding change: c.449A>G on transcript NM_014159.7 (MANE Select); coding-DNA position 449, A replaced by G.
Protein change: p.His150Arg; replaces histidine 150 with arginine.
Molecular consequence: missense variant. On other transcripts: non-coding transcript variant (1).
Genome position (GRCh38, 1-based): chr3:47,124,187, T>C on the plus strand (A>G on the coding strand, the complement: SETD2 is on the minus strand). VCF-style: chr3-47124187-T-C. GRCh37 (hg19) VCF-style: chr3-47165677-T-C.
Other names: c.317A>G, p.His106Arg (NM_001349370.3); short protein forms H106R, H150R.
Identifiers: ClinVar variation 2738523 (VCV002738523.3), dbSNP rs1293708012, ClinGen allele CA352536939.